The following is an entry in ClinVar:

ClinVar aggregate classification (germline): Uncertain significance (1 of 4 stars; one submission).

Conditions:
Inborn genetic diseases. Identifiers: MedGen C0950123, MeSH D030342.

Submission:

Ambry Genetics
Classification: Uncertain significance for Inborn genetic diseases. Last evaluated: 2025-08-01. Review status: criteria provided, single submitter. Criteria: Ambry Variant Classification Scheme 2023. Collection method: clinical testing. Allele origin: germline.
Comment: The p.M641R variant (also known as c.1922T>G), located in coding exon 13 of the ERCC6L2 gene, results from a T to G substitution at nucleotide position 1922. The methionine at codon 641 is replaced by arginine, an amino acid with similar properties. This amino acid position is conserved. In addition, this alteration is predicted to be deleterious by in silico analysis. Based on the available evidence, the clinical significance of this variant remains unclear.

NM_020207.7(ERCC6L2):c.1922T>G (p.Met641Arg)

Gene: ERCC6L2 (ERCC excision repair 6 like 2; plus strand). Cytogenetic location: 9q22.32.
Variant type: single nucleotide variant.
Coding change: c.1922T>G on transcript NM_020207.7 (MANE Select); coding-DNA position 1922, T replaced by G.
Protein change: p.Met641Arg; replaces methionine 641 with arginine.
Molecular consequence: missense variant. On other transcripts: non-coding transcript variant (1).
Genome position (GRCh38, 1-based): chr9:95,955,988, T>G. VCF-style: chr9-95955988-T-G. GRCh37 (hg19) VCF-style: chr9-98718270-T-G.
Other names: c.1922T>G, p.Met641Arg (NM_001010895.4, NM_001375291.1, NM_001375292.1 and 2 more transcripts); short protein forms M641R.
Identifiers: ClinVar variation 4250607 (VCV004250607.1).
Genomic context (GRCh38, chr9:95,955,988, plus strand): 5'-GACAATGTAGAGATGTCAAAGTGCTTAGGCTGATATCCTTGGGAACTGTGGAGGAAATCA[T>G]GTATTTACGACAGATATACAAGCAGGTAAATATGTTTCCCTTTTTCTGTTTCAGAGGTCA-3'
Protein context (NP_064592.3, residues 631-651): LISLGTVEEI[Met641Arg]YLRQIYKQQL